The following is an entry in ClinVar:

NM_001105247.2(ARMC5):c.1889C>A (p.Thr630Lys)

Gene: ARMC5 (armadillo repeat containing 5; plus strand). Cytogenetic location: 16p11.2.
Variant type: single nucleotide variant.
Coding change: c.1889C>A on transcript NM_001105247.2 (MANE Select); coding-DNA position 1889, C replaced by A.
Protein change: p.Thr630Lys; replaces threonine 630 with lysine.
Molecular consequence: missense variant. On other transcripts: 3 prime UTR variant (1).
Genome position (GRCh38, 1-based): chr16:31,465,874, C>A. VCF-style: chr16-31465874-C-A. GRCh37 (hg19) VCF-style: chr16-31477195-C-A.
Other names: c.2174C>A, p.Thr725Lys (NM_001288767.2); c.1985C>A, p.Thr662Lys (NM_001301820.1); c.*673C>A (NM_024742.2); c.2174C>A (NM_001288767.1); short protein forms T630K, T662K, T725K.
Identifiers: ClinVar variation 2381370 (VCV002381370.4), dbSNP rs201098944, ClinGen allele CA8029911.

ClinVar aggregate classification (germline): Uncertain significance. Review status: criteria provided, single submitter (1 of 4 stars). 2 submissions from 2 submitters: Uncertain significance (1). 1 of the submissions does not count toward it. Last evaluated 2021-10-22.

Conditions:
Inborn genetic diseases. Identifiers: MedGen C0950123, MeSH D030342.
ARMC5-related disorder. Also called: ARMC5-related condition.

Allele frequency attached by ClinVar (database versions not stated): 1000 Genomes Project 30x 0.00016; 1000 Genomes Project 0.00020.
gnomAD v4.1: 52 of 1,609,584 alleles (0.0032%); highest among the groups gnomAD compares: African/African-American, 0.065%; no homozygotes.

Submissions (2):

Ambry Genetics
Classification: Uncertain significance for Inborn genetic diseases. Last evaluated: 2021-10-22. Review status: criteria provided, single submitter. Criteria: Ambry Variant Classification Scheme 2023. Collection method: clinical testing. Allele origin: germline.

PreventionGenetics, part of Exact Sciences
Classification: Likely benign for ARMC5-related condition. Last evaluated: 2022-10-24. Review status: no assertion criteria provided. Collection method: clinical testing. Allele origin: germline. Not counted in ClinVar's aggregate classification.
Comment: This variant is classified as likely benign based on ACMG/AMP sequence variant interpretation guidelines (Richards et al. 2015 PMID: 25741868, with internal and published modifications).